The following is an entry in ClinVar:

ClinVar aggregate classification (germline): Uncertain significance (1 of 4 stars; one submission).

Submission:

Ambry Genetics
Classification: Uncertain significance. Last evaluated: 2021-12-01. Review status: criteria provided, single submitter. Criteria: Ambry Variant Classification Scheme 2023. Collection method: clinical testing. Allele origin: germline.
Comment: The p.W1632S variant (also known as c.4895G>C), located in coding exon 37 of the PRKDC gene, results from a G to C substitution at nucleotide position 4895. The tryptophan at codon 1632 is replaced by serine, an amino acid with highly dissimilar properties. This amino acid position is conserved. In addition, this alteration is predicted to be deleterious by in silico analysis. Since supporting evidence is limited at this time, the clinical significance of this alteration remains unclear.

NM_006904.7(PRKDC):c.4895G>C (p.Trp1632Ser)

Gene: PRKDC (protein kinase, DNA-activated, catalytic subunit; minus strand). Cytogenetic location: 8q11.21.
Variant type: single nucleotide variant.
Coding change: c.4895G>C on transcript NM_006904.7 (MANE Select); coding-DNA position 4895, G replaced by C.
Protein change: p.Trp1632Ser; replaces tryptophan 1632 with serine.
Molecular consequence: missense variant.
Genome position (GRCh38, 1-based): chr8:47,881,979, C>G on the plus strand (G>C on the coding strand, the complement: PRKDC is on the minus strand). VCF-style: chr8-47881979-C-G. GRCh37 (hg19) VCF-style: chr8-48794540-C-G.
Other names: c.4895G>C, p.Trp1632Ser (NM_001081640.2); short protein forms W1632S.
Identifiers: ClinVar variation 1743876 (VCV001743876.2), dbSNP rs2551872701, ClinGen allele CA371141804.